The following is an entry in ClinVar:

ClinVar aggregate classification (germline): Uncertain significance (1 of 4 stars; one submission).

gnomAD v4.1: 29 of 1,611,812 alleles (0.0018%); highest among the groups gnomAD compares: Admixed American, 0.0033%; no homozygotes.

Submission:

Labcorp Genetics (formerly Invitae), Labcorp
Classification: Uncertain significance. Last evaluated: 2023-02-14. Review status: criteria provided, single submitter. Criteria: Invitae Variant Classification Sherloc (09022015). Collection method: clinical testing. Allele origin: germline.
Comment: This sequence change affects codon 849 of the FBN3 mRNA. It is a 'silent' change, meaning that it does not change the encoded amino acid sequence of the FBN3 protein. The frequency data for this variant in the population databases is considered unreliable, as metrics indicate poor data quality at this position in the gnomAD database. This variant has not been reported in the literature in individuals affected with FBN3-related conditions. Algorithms developed to predict the effect of sequence changes on RNA splicing suggest that this variant may disrupt the consensus splice site. In summary, the available evidence is currently insufficient to determine the role of this variant in disease. Therefore, it has been classified as a Variant of Uncertain Significance.

NM_032447.5(FBN3):c.2547C>T (p.Cys849=)

Gene: FBN3 (fibrillin 3; minus strand). Cytogenetic location: 19p13.2.
Variant type: single nucleotide variant.
Coding change: c.2547C>T on transcript NM_032447.5 (MANE Select); coding-DNA position 2547, C replaced by T.
Protein change: p.Cys849=; no amino-acid change (cysteine 849 retained).
Molecular consequence: synonymous variant.
Genome position (GRCh38, 1-based): chr19:8,126,475, G>A on the plus strand (C>T on the coding strand, the complement: FBN3 is on the minus strand). VCF-style: chr19-8126475-G-A. GRCh37 (hg19) VCF-style: chr19-8191359-G-A.
Other names: c.2547C>T, p.Cys849= (NM_001321431.2).
Identifiers: ClinVar variation 2750756 (VCV002750756.3), dbSNP rs377489898, ClinGen allele CA9152851.